The following is an entry in ClinVar:

ClinVar aggregate classification (germline): Uncertain significance. Review status: criteria provided, multiple submitters, no conflicts (2 of 4 stars). 2 submissions from 2 submitters: Uncertain significance (2). Last evaluated 2022-03-04.

Conditions:
Autosomal recessive ataxia, Beauce type. Also called: SYNE1-Related Autosomal Recessive Cerebellar Ataxia; Spinocerebellar ataxia, autosomal recessive 8; ATAXIA, RECESSIVE, OF BEAUCE; SYNE1 Deficiency. Identifiers: Orphanet 88644, MedGen C1853116, MONDO:0012549, OMIM 610743.
Emery-Dreifuss muscular dystrophy 4, autosomal dominant (EDMD4). Also called: EMERY-DREIFUSS MUSCULAR DYSTROPHY 4 WITH VARIABLE FEATURES. Identifiers: Orphanet 261, MedGen C2751807, MONDO:0013071, OMIM 612998.

Allele frequency attached by ClinVar (database versions not stated): ExAC 0.00002; gnomAD exomes 0.00002 and 0.00006; TOPMed 0.00002; gnomAD 0.00001.
gnomAD v4.1: 95 of 1,612,980 alleles (0.0059%); highest among the groups gnomAD compares: Non-Finnish European, 0.0076%; no homozygotes.

Submissions (2):

Labcorp Genetics (formerly Invitae), Labcorp
Classification: Uncertain significance for Emery-Dreifuss muscular dystrophy 4, autosomal dominant; Autosomal recessive ataxia, Beauce type. Last evaluated: 2022-03-04. Review status: criteria provided, single submitter. Criteria: Invitae Variant Classification Sherloc (09022015). Collection method: clinical testing. Allele origin: germline.
Comment: This sequence change replaces asparagine, which is neutral and polar, with serine, which is neutral and polar, at codon 656 of the SYNE1 protein (p.Asn656Ser). This variant is present in population databases (rs756816038, gnomAD 0.005%). This variant has not been reported in the literature in individuals affected with SYNE1-related conditions. Algorithms developed to predict the effect of missense changes on protein structure and function are either unavailable or do not agree on the potential impact of this missense change (SIFT: "Deleterious"; PolyPhen-2: "Possibly Damaging"; Align-GVGD: "Class C0"). Algorithms developed to predict the effect of sequence changes on RNA splicing suggest that this variant may create or strengthen a splice site. In summary, the available evidence is currently insufficient to determine the role of this variant in disease. Therefore, it has been classified as a Variant of Uncertain Significance.

Revvity Omics, Revvity
Classification: Uncertain significance. Last evaluated: 2020-04-03. Review status: criteria provided, single submitter. Criteria: ACMG Guidelines, 2015. Collection method: clinical testing. Allele origin: germline.

NM_182961.4(SYNE1):c.1946A>G (p.Asn649Ser)

Gene: SYNE1 (spectrin repeat containing nuclear envelope protein 1; minus strand). Cytogenetic location: 6q25.2.
Variant type: single nucleotide variant.
Coding change: c.1946A>G on transcript NM_182961.4 (MANE Select); coding-DNA position 1946, A replaced by G.
Protein change: p.Asn649Ser; replaces asparagine 649 with serine.
Molecular consequence: missense variant.
Genome position (GRCh38, 1-based): chr6:152,463,504, T>C on the plus strand (A>G on the coding strand, the complement: SYNE1 is on the minus strand). VCF-style: chr6-152463504-T-C. GRCh37 (hg19) VCF-style: chr6-152784639-T-C.
Other names: c.1967A>G (NM_033071.3); c.1967A>G, p.Asn656Ser (NM_033071.5); short protein forms N656S, N649S.
Identifiers: ClinVar variation 1491135 (VCV001491135.9), dbSNP rs756816038, ClinGen allele CA4059259.